The following is an entry in ClinVar:

NM_001378120.1(MBD5):c.4969C>A (p.Pro1657Thr)

Gene: MBD5 (methyl-CpG binding domain protein 5; plus strand). Cytogenetic location: 2q23.1.
Variant type: single nucleotide variant.
Coding change: c.4969C>A on transcript NM_001378120.1 (MANE Select); coding-DNA position 4969, C replaced by A.
Protein change: p.Pro1657Thr; replaces proline 1657 with threonine.
Molecular consequence: missense variant.
Genome position (GRCh38, 1-based): chr2:148,502,442, C>A. VCF-style: chr2-148502442-C-A. GRCh37 (hg19) VCF-style: chr2-149260011-C-A.
Other names: c.4270C>A, p.Pro1424Thr (NM_001438861.1, NM_001438862.1, NM_018328.5 and 2 more transcripts); c.5008C>A, p.Pro1670Thr (NM_001438854.1); c.4309C>A, p.Pro1437Thr (NM_001438855.1); c.4969C>A, p.Pro1657Thr (NM_001438856.1, NM_001438857.1, NM_001438858.1); short protein forms P1424T, P1437T, P1657T, P1670T.
Identifiers: ClinVar variation 4810904 (VCV004810904.1).

ClinVar aggregate classification (germline): Uncertain significance (1 of 4 stars; one submission).

Conditions:
Intellectual developmental disorder, autosomal dominant 1. Also called: MBD5 Haploinsufficiency; Intellectual disability, autosomal dominant 1. Identifiers: Orphanet 228402, MedGen C1969562, MONDO:0007974, OMIM 156200.

gnomAD v4.1: 1 of 1,614,076 alleles (0.000062%); highest among the groups gnomAD compares: Non-Finnish European, 0.000085%; no homozygotes.

Submission:

Labcorp Genetics (formerly Invitae), Labcorp
Classification: Uncertain significance for Intellectual developmental disorder, autosomal dominant 1. Last evaluated: 2025-11-03. Review status: criteria provided, single submitter. Criteria: Invitae Variant Classification Sherloc (09022015). Collection method: clinical testing. Allele origin: germline.
Comment: This sequence change replaces proline, which is neutral and non-polar, with threonine, which is neutral and polar, at codon 1424 of the MBD5 protein (p.Pro1424Thr). This variant is not present in population databases (gnomAD no frequency). This variant has not been reported in the literature in individuals affected with MBD5-related conditions. Experimental studies and prediction algorithms are not available or were not evaluated, and the functional significance of this variant is currently unknown. In summary, the available evidence is currently insufficient to determine the role of this variant in disease. Therefore, it has been classified as a Variant of Uncertain Significance.